The following is an entry in ClinVar:

ClinVar aggregate classification (germline): Conflicting classifications of pathogenicity. Review status: criteria provided, conflicting classifications (1 of 4 stars). 3 submissions from 3 submitters: Uncertain significance (2); Likely benign (1). Last evaluated 2026-02-13.

Conditions:
Inborn genetic diseases. Identifiers: MedGen C0950123, MeSH D030342.
O'Donnell-Luria-Rodan syndrome (ODLURO). Also called: KMT2E-Related Neurodevelopmental Disorder. Identifiers: MedGen C5193138, MONDO:0032793, OMIM 618512.

gnomAD v4.1: 1 of 1,604,618 alleles (0.000062%); highest among the groups gnomAD compares: Non-Finnish European, 0.000085%; no homozygotes.

Submissions (3):

OLLIN Analises Genomicas, OLLIN
Classification: Uncertain significance for O'Donnell-Luria-Rodan syndrome. Last evaluated: 2026-02-13. Review status: criteria provided, single submitter. Criteria: ACMG Guidelines 2015 PMID 25741868. Collection method: clinical testing. Allele origin: germline. Observed: 1 variant allele.
Comment: PM2_P

Ambry Genetics
Classification: Uncertain significance for Inborn genetic diseases. Last evaluated: 2025-04-10. Review status: criteria provided, single submitter. Criteria: Ambry Variant Classification Scheme 2023. Collection method: clinical testing. Allele origin: germline.

Labcorp Genetics (formerly Invitae), Labcorp
Classification: Likely benign. Last evaluated: 2025-03-28. Review status: criteria provided, single submitter. Criteria: Invitae Variant Classification Sherloc (09022015). Collection method: clinical testing. Allele origin: germline.

NM_182931.3(KMT2E):c.1669A>C (p.Asn557His)

Gene: KMT2E (lysine methyltransferase 2E (inactive); plus strand). Cytogenetic location: 7q22.3.
Variant type: single nucleotide variant.
Coding change: c.1669A>C on transcript NM_182931.3 (MANE Select); coding-DNA position 1669, A replaced by C.
Protein change: p.Asn557His; replaces asparagine 557 with histidine.
Molecular consequence: missense variant.
Genome position (GRCh38, 1-based): chr7:105,091,261, A>C. VCF-style: chr7-105091261-A-C. GRCh37 (hg19) VCF-style: chr7-104731708-A-C.
Other names: c.1669A>C, p.Asn557His (NM_001410908.1, NM_018682.4); short protein forms N557H.
Identifiers: ClinVar variation 4044518 (VCV004044518.3).